The following is an entry in ClinVar:

NM_053013.4(ENO3):c.1073A>T (p.Lys358Ile)

Gene: ENO3 (enolase 3; plus strand). Cytogenetic location: 17p13.2.
Variant type: single nucleotide variant.
Coding change: c.1073A>T on transcript NM_053013.4 (MANE Select); coding-DNA position 1073, A replaced by T.
Protein change: p.Lys358Ile; replaces lysine 358 with isoleucine.
Molecular consequence: missense variant.
Genome position (GRCh38, 1-based): chr17:4,956,578, A>T. VCF-style: chr17-4956578-A-T. GRCh37 (hg19) VCF-style: chr17-4859873-A-T.
Other names: c.944A>T, p.Lys315Ile (NM_001193503.2); c.1073A>T, p.Lys358Ile (NM_001374523.1, NM_001976.5); c.1100A>T, p.Lys367Ile (NM_001374524.1); short protein forms K315I, K358I, K367I.
Identifiers: ClinVar variation 1987669 (VCV001987669.4), dbSNP rs1228522273, ClinGen allele CA397294744.

ClinVar aggregate classification (germline): Uncertain significance (1 of 4 stars; one submission).

Conditions:
Glycogen storage disease due to muscle beta-enolase deficiency (GSD13). Also called: Glycogen Storage Disease Type XIII; ENOLASE 3 DEFICIENCY; ENOLASE-BETA DEFICIENCY; GSD XIII. Identifiers: Orphanet 99849, MedGen C2752027, MONDO:0013046, OMIM 612932.

Submission:

Labcorp Genetics (formerly Invitae), Labcorp
Classification: Uncertain significance for Glycogen storage disease due to muscle beta-enolase deficiency. Last evaluated: 2022-06-10. Review status: criteria provided, single submitter. Criteria: Invitae Variant Classification Sherloc (09022015). Collection method: clinical testing. Allele origin: germline.
Comment: In summary, the available evidence is currently insufficient to determine the role of this variant in disease. Therefore, it has been classified as a Variant of Uncertain Significance. Algorithms developed to predict the effect of missense changes on protein structure and function are either unavailable or do not agree on the potential impact of this missense change (SIFT: "Tolerated"; PolyPhen-2: "Possibly Damaging"; Align-GVGD: "Class C0"). This variant has not been reported in the literature in individuals affected with ENO3-related conditions. This variant is not present in population databases (gnomAD no frequency). This sequence change replaces lysine, which is basic and polar, with isoleucine, which is neutral and non-polar, at codon 358 of the ENO3 protein (p.Lys358Ile).